The following is an entry in ClinVar:

NM_014908.4(DOLK):c.850C>G (p.Leu284Val)

Gene: DOLK (dolichol kinase; minus strand). Cytogenetic location: 9q34.11.
Variant type: single nucleotide variant.
Coding change: c.850C>G on transcript NM_014908.4 (MANE Select); coding-DNA position 850, C replaced by G.
Protein change: p.Leu284Val; replaces leucine 284 with valine.
Molecular consequence: missense variant.
Genome position (GRCh38, 1-based): chr9:128,946,454, G>C on the plus strand (C>G on the coding strand, the complement: DOLK is on the minus strand). VCF-style: chr9-128946454-G-C. GRCh37 (hg19) VCF-style: chr9-131708733-G-C.
Other names: short protein forms L284V.
Identifiers: ClinVar variation 3842093 (VCV003842093.1).

ClinVar aggregate classification (germline): Uncertain significance (1 of 4 stars; one submission).

Conditions:
Cardiovascular phenotype. Identifiers: MedGen CN230736.

Submission:

Ambry Genetics
Classification: Uncertain significance for Cardiovascular phenotype. Last evaluated: 2025-02-27. Review status: criteria provided, single submitter. Criteria: Ambry Variant Classification Scheme 2023. Collection method: clinical testing. Allele origin: germline.
Comment: The p.L284V variant (also known as c.850C>G), located in coding exon 1 of the DOLK gene, results from a C to G substitution at nucleotide position 850. The leucine at codon 284 is replaced by valine, an amino acid with highly similar properties. This amino acid position is conserved. In addition, this alteration is predicted to be tolerated by in silico analysis. Based on the available evidence, the clinical significance of this variant remains unclear.